The following is an entry in ClinVar:

ClinVar aggregate classification (germline): Conflicting classifications of pathogenicity. Review status: criteria provided, conflicting classifications (1 of 4 stars). 2 submissions from 2 submitters: Uncertain significance (1); Likely benign (1). Last evaluated 2025-06-04.

Conditions:
CREBBP-related disorder. Also called: CREBBP-related condition; CREBBP-related disorders.
Rubinstein-Taybi syndrome (RSTS). Identifiers: Orphanet 783, MedGen C0035934, MONDO:0019188.

Submissions (2):

PreventionGenetics, part of Exact Sciences
Classification: Uncertain significance for CREBBP-related condition. Last evaluated: 2025-06-04. Review status: criteria provided, single submitter. Criteria: ACMG Guidelines, 2015. Collection method: clinical testing. Allele origin: germline.
Comment: The CREBBP c.4929C>T variant is not predicted to result in an amino acid change (p.=). This variant is predicted to alter splicing by available splicing prediction algorithms (SpliceAI, Jaganathan et al. 2019. PubMed ID: 30661751). To our knowledge, this variant has not been reported in the literature or in a large population database (gnomAD), indicating this variant is rare. At this time, the clinical significance of this variant is uncertain due to the absence of conclusive functional and genetic evidence.

Labcorp Genetics (formerly Invitae), Labcorp
Classification: Likely benign for Rubinstein-Taybi syndrome. Last evaluated: 2024-10-22. Review status: criteria provided, single submitter. Criteria: Invitae Variant Classification Sherloc (09022015). Collection method: clinical testing. Allele origin: germline.

NM_004380.3(CREBBP):c.4929C>T (p.Ile1643=)

Gene: CREBBP (CREB binding lysine acetyltransferase; minus strand). Cytogenetic location: 16p13.3.
Variant type: single nucleotide variant.
Coding change: c.4929C>T on transcript NM_004380.3 (MANE Select); coding-DNA position 4929, C replaced by T.
Protein change: p.Ile1643=; no amino-acid change (isoleucine 1643 retained).
Molecular consequence: synonymous variant.
Genome position (GRCh38, 1-based): chr16:3,731,435, G>A on the plus strand (C>T on the coding strand, the complement: CREBBP is on the minus strand). VCF-style: chr16-3731435-G-A. GRCh37 (hg19) VCF-style: chr16-3781436-G-A.
Other names: c.4815C>T, p.Ile1605= (NM_001079846.1); c.4929C>T (NM_004380.2).
Identifiers: ClinVar variation 2099066 (VCV002099066.5), dbSNP rs2151317424, ClinGen allele CA493394646.